The following is an entry in ClinVar:

ClinVar aggregate classification (germline): Uncertain significance (1 of 4 stars; one submission).

Conditions:
Intellectual developmental disorder 59. Also called: INTELLECTUAL DEVELOPMENTAL DISORDER, AUTOSOMAL DOMINANT 59; MENTAL RETARDATION, AUTOSOMAL DOMINANT 59. Identifiers: MedGen C5193190, MONDO:0032795, OMIM 618522.

gnomAD v4.1: 61 of 1,234,924 alleles (0.0049%); highest among the groups gnomAD compares: South Asian, 0.16%; 1 homozygote.

Submission:

Neuberg Centre For Genomic Medicine, NCGM
Classification: Uncertain significance for Intellectual developmental disorder 59. Last evaluated: 2023-07-22. Review status: criteria provided, single submitter. Criteria: ACMG Guidelines, 2015. Collection method: clinical testing. Allele origin: germline. Inheritance: Autosomal dominant inheritance. Affected: yes.
Comment: The observed missense variant c.994G>Ap.Gly332Ser in CAMK2G gene has not been reported previously as a pathogenic variant nor as a benign variant, to our knowledge. This variant has zero frequency in gnomAD Exomes. The amino acid Gly at position 332 is changed to a Ser changing protein sequence and it might alter its composition and physico-chemical properties. Computational evidence Polyphen-Benign, SIFT-Tolerated and Mutation Taster-disease causing predicts conflicting evidence on protein structure and function for this variant. The reference amino acid p.Gly332Ser in CAMK2G is predicted as conserved by GERP++ and PhyloP across 100 vertebrates. For these reasons, this variant has been classified as Uncertain Significance.

NM_001367534.1(CAMK2G):c.994G>A (p.Gly332Ser)

Gene: CAMK2G (calcium/calmodulin dependent protein kinase II gamma; minus strand). Cytogenetic location: 10q22.2.
Variant type: single nucleotide variant.
Coding change: c.994G>A on transcript NM_001367534.1 (MANE Select); coding-DNA position 994, G replaced by A.
Protein change: p.Gly332Ser; replaces glycine 332 with serine.
Molecular consequence: missense variant. On other transcripts: non-coding transcript variant (2), intron variant (27).
Genome position (GRCh38, 1-based): chr10:73,839,554, C>T on the plus strand (G>A on the coding strand, the complement: CAMK2G is on the minus strand). VCF-style: chr10-73839554-C-T. GRCh37 (hg19) VCF-style: chr10-75599312-C-T.
Other names: c.994G>A, p.Gly332Ser (NM_001204492.2, NM_001320898.2, NM_001367521.1 and 8 more transcripts); c.748G>A, p.Gly250Ser (NM_001367524.1); c.241G>A, p.Gly81Ser (NM_001367542.1); c.923-2043G>A (NM_001367532.1, NM_001367525.1, NM_001367514.1); c.635-2043G>A (NM_001367537.1, NM_001367538.1); c.701-2043G>A (NM_001367539.1); c.947-2043G>A (NM_001222.4, NM_001367545.1, NM_172173.3 and 17 more transcripts); c.281-2043G>A (NM_001367540.1); short protein forms G250S, G332S, G81S.
Identifiers: ClinVar variation 3391335 (VCV003391335.1).
Genomic context (GRCh38, chr10:73,839,554, plus strand): 5'-GCAGGGGGCCGAGGCAGGCGGTCGGGGAGGACTCATGCCACGTACCTTGCCCGGCCAGGC[C>T]GGCGGCGCTCGCGGCAGGCGAGGCGGGGGCGGAGCTCTGCCTGCCAACTGAGGGGATACA-3'
Protein context (NP_001354463.1, residues 322-342): APASPAASAA[Gly332Ser]LAGQAAKSLL